The following is an entry in ClinVar:

NM_032608.7(MYO18B):c.5513G>A (p.Ser1838Asn)

Gene: MYO18B (myosin XVIIIB; plus strand). Cytogenetic location: 22q12.1.
Variant type: single nucleotide variant.
Coding change: c.5513G>A on transcript NM_032608.7 (MANE Select); coding-DNA position 5513, G replaced by A.
Protein change: p.Ser1838Asn; replaces serine 1838 with asparagine.
Molecular consequence: missense variant.
Genome position (GRCh38, 1-based): chr22:25,921,405, G>A. VCF-style: chr22-25921405-G-A. GRCh37 (hg19) VCF-style: chr22-26317372-G-A.
Other names: c.5516G>A, p.Ser1839Asn (NM_001318245.2); c.5513G>A (NM_032608.5); short protein forms S1838N, S1839N.
Identifiers: ClinVar variation 1357220 (VCV001357220.5), dbSNP rs369683570, ClinGen allele CA10161180.

ClinVar aggregate classification (germline): Uncertain significance. Review status: criteria provided, multiple submitters, no conflicts (2 of 4 stars). 2 submissions from 2 submitters: Uncertain significance (2). Last evaluated 2025-12-10.

Conditions:
Inborn genetic diseases. Identifiers: MedGen C0950123, MeSH D030342.

Allele frequency attached by ClinVar (database versions not stated): ESP Exome Variant Server 0.00008; gnomAD exomes 0.00015; ExAC 0.00025.
gnomAD v4.1: 235 of 1,600,860 alleles (0.015%); highest among the groups gnomAD compares: Middle Eastern, 0.099%; 1 homozygote.

Submissions (2):

Labcorp Genetics (formerly Invitae), Labcorp
Classification: Uncertain significance. Last evaluated: 2025-12-10. Review status: criteria provided, single submitter. Criteria: Invitae Variant Classification Sherloc (09022015). Collection method: clinical testing. Allele origin: germline.
Comment: This sequence change replaces serine, which is neutral and polar, with asparagine, which is neutral and polar, at codon 1838 of the MYO18B protein (p.Ser1838Asn). This variant is present in population databases (rs369683570, gnomAD 0.1%). This variant has not been reported in the literature in individuals affected with MYO18B-related conditions. ClinVar contains an entry for this variant (Variation ID: 1357220). An algorithm developed to predict the effect of missense changes on protein structure and function (PolyPhen-2) suggests that this variant is likely to be disruptive. In summary, the available evidence is currently insufficient to determine the role of this variant in disease. Therefore, it has been classified as a Variant of Uncertain Significance.

Ambry Genetics
Classification: Uncertain significance for Inborn genetic diseases. Last evaluated: 2021-06-21. Review status: criteria provided, single submitter. Criteria: Ambry Variant Classification Scheme 2023. Collection method: clinical testing. Allele origin: germline.